The following is an entry in ClinVar:

NM_001164508.2(NEB):c.2681C>T (p.Thr894Met)

Gene: NEB (nebulin; minus strand). Cytogenetic location: 2q23.3.
Variant type: single nucleotide variant.
Coding change: c.2681C>T on transcript NM_001164508.2 (MANE Select); coding-DNA position 2681, C replaced by T.
Protein change: p.Thr894Met; replaces threonine 894 with methionine.
Molecular consequence: missense variant.
Genome position (GRCh38, 1-based): chr2:151,684,932, G>A on the plus strand (C>T on the coding strand, the complement: NEB is on the minus strand). VCF-style: chr2-151684932-G-A. GRCh37 (hg19) VCF-style: chr2-152541446-G-A.
Other names: c.2681C>T, p.Thr894Met (NM_001164507.2, NM_001271208.2, NM_004543.5); short protein forms T894M.
Identifiers: ClinVar variation 1919191 (VCV001919191.2), dbSNP rs377649771, ClinGen allele CA1911149.
Genomic context (GRCh38, chr2:151,684,932, plus strand): 5'-TCGCTGGCAATTGCCTGAGATTTCTTAGCTTGAGTGACTTGGAGCATATCAAGAGGTGCC[G>A]TGTAGATAGTTTTTGACTTTTCATAATCTTTTCGATATTCGCGCTGTGAATAGGAAATTA-3'
Protein context (NP_001157980.2, residues 884-904): KDYEKSKTIY[Thr894Met]APLDMLQVTQ

ClinVar aggregate classification (germline): Uncertain significance (1 of 4 stars; one submission).

Conditions:
Nemaline myopathy 2 (NEM2). Also called: Nemaline myopathy 2, autosomal recessive. Identifiers: MedGen C1850569, MONDO:0009725, OMIM 256030.

gnomAD v4.1: 31 of 1,612,412 alleles (0.0019%); highest among the groups gnomAD compares: Non-Finnish European, 0.0025%; no homozygotes.

Submission:

Labcorp Genetics (formerly Invitae), Labcorp
Classification: Uncertain significance for Nemaline myopathy 2. Last evaluated: 2022-06-20. Review status: criteria provided, single submitter. Criteria: Invitae Variant Classification Sherloc (09022015). Collection method: clinical testing. Allele origin: germline.
Comment: This sequence change replaces threonine, which is neutral and polar, with methionine, which is neutral and non-polar, at codon 894 of the NEB protein (p.Thr894Met). This variant is present in population databases (rs377649771, gnomAD 0.003%). This variant has not been reported in the literature in individuals affected with NEB-related conditions. Algorithms developed to predict the effect of missense changes on protein structure and function are either unavailable or do not agree on the potential impact of this missense change (SIFT: "Deleterious"; PolyPhen-2: "Not Available"; Align-GVGD: "Class C0"). In summary, the available evidence is currently insufficient to determine the role of this variant in disease. Therefore, it has been classified as a Variant of Uncertain Significance.